The following is an entry in ClinVar:

ClinVar aggregate classification (germline): Uncertain significance. Review status: criteria provided, single submitter (1 of 4 stars). 2 submissions from 2 submitters: Uncertain significance (1). 1 of the submissions does not count toward it. Last evaluated 2024-10-29.

Conditions:
Peroxisome biogenesis disorder. Identifiers: Orphanet 79189, MedGen C1832200, MONDO:0019234. Disease mechanism: loss of function.
PEX6-related disorder. Also called: PEX6-related condition; PEX6-related disorders.

Allele frequency attached by ClinVar (database versions not stated): ExAC 0.00001; gnomAD 0.00001; TOPMed 0.00001; gnomAD exomes 0.00002 and 0.00003; ESP Exome Variant Server 0.00008.
gnomAD v4.1: 13 of 1,613,318 alleles (0.00081%); highest among the groups gnomAD compares: Admixed American, 0.0083%; no homozygotes.

Submissions (2):

Labcorp Genetics (formerly Invitae), Labcorp
Classification: Uncertain significance for Peroxisome biogenesis disorder. Last evaluated: 2024-10-29. Review status: criteria provided, single submitter. Criteria: Invitae Variant Classification Sherloc (09022015). Collection method: clinical testing. Allele origin: germline.
Comment: This sequence change replaces arginine, which is basic and polar, with cysteine, which is neutral and slightly polar, at codon 737 of the PEX6 protein (p.Arg737Cys). This variant is present in population databases (rs148562506, gnomAD 0.01%). This variant has not been reported in the literature in individuals affected with PEX6-related conditions. ClinVar contains an entry for this variant (Variation ID: 1383689). Invitae Evidence Modeling of protein sequence and biophysical properties (such as structural, functional, and spatial information, amino acid conservation, physicochemical variation, residue mobility, and thermodynamic stability) indicates that this missense variant is expected to disrupt PEX6 protein function with a positive predictive value of 80%. In summary, the available evidence is currently insufficient to determine the role of this variant in disease. Therefore, it has been classified as a Variant of Uncertain Significance.

PreventionGenetics, part of Exact Sciences
Classification: Uncertain significance for PEX6-related condition. Last evaluated: 2024-08-29. Review status: no assertion criteria provided. Collection method: clinical testing. Allele origin: germline. Not counted in ClinVar's aggregate classification.
Comment: The PEX6 c.2209C>T variant is predicted to result in the amino acid substitution p.Arg737Cys. To our knowledge, this variant has not been reported in the literature. This variant is reported in 0.011% of alleles in individuals of Latino descent in gnomAD. At this time, the clinical significance of this variant is uncertain due to the absence of conclusive functional and genetic evidence.

NM_000287.4(PEX6):c.2209C>T (p.Arg737Cys)

Gene: PEX6 (peroxisomal biogenesis factor 6; minus strand). Cytogenetic location: 6p21.1.
Variant type: single nucleotide variant.
Coding change: c.2209C>T on transcript NM_000287.4 (MANE Select); coding-DNA position 2209, C replaced by T.
Protein change: p.Arg737Cys; replaces arginine 737 with cysteine.
Molecular consequence: missense variant.
Genome position (GRCh38, 1-based): chr6:42,966,333, G>A on the plus strand (C>T on the coding strand, the complement: PEX6 is on the minus strand). VCF-style: chr6-42966333-G-A. GRCh37 (hg19) VCF-style: chr6-42934071-G-A.
Other names: c.1945C>T, p.Arg649Cys (NM_001316313.2); c.2209C>T (NM_000287.3); short protein forms R649C, R737C.
Identifiers: ClinVar variation 1383689 (VCV001383689.5), dbSNP rs148562506, ClinGen allele CA3811102.